The following is an entry in ClinVar:

NM_001384910.1(GUCA1A):c.256G>T (p.Gly86Trp)

Genes: GUCA1A (guanylate cyclase activator 1A; plus strand), GUCA1ANB-GUCA1A (GUCA1ANB-GUCA1A readthrough; plus strand). Cytogenetic location: 6p21.1.
Variant type: single nucleotide variant.
Coding change: c.256G>T on transcript NM_001384910.1 (MANE Select); coding-DNA position 256, G replaced by T.
Protein change: p.Gly86Trp; replaces glycine 86 with tryptophan.
Molecular consequence: missense variant.
Genome position (GRCh38, 1-based): chr6:42,178,334, G>T. VCF-style: chr6-42178334-G-T. GRCh37 (hg19) VCF-style: chr6-42146072-G-T.
Other names: c.256G>T, p.Gly86Trp (NM_000409.5, NM_001319061.2, NM_001319062.2); short protein forms G86W.
Identifiers: ClinVar variation 934634 (VCV000934634.8), dbSNP rs1768014561, ClinGen allele CA364108889.

ClinVar aggregate classification (germline): Uncertain significance (1 of 4 stars; one submission).

Submission:

Labcorp Genetics (formerly Invitae), Labcorp
Classification: Uncertain significance. Last evaluated: 2023-08-04. Review status: criteria provided, single submitter. Criteria: Invitae Variant Classification Sherloc (09022015). Collection method: clinical testing. Allele origin: germline.
Comment: This sequence change replaces glycine, which is neutral and non-polar, with tryptophan, which is neutral and slightly polar, at codon 86 of the GUCA1A protein (p.Gly86Trp). This variant is not present in population databases (gnomAD no frequency). This variant has not been reported in the literature in individuals affected with GUCA1A-related conditions. ClinVar contains an entry for this variant (Variation ID: 934634). An algorithm developed to predict the effect of missense changes on protein structure and function (PolyPhen-2) suggests that this variant is likely to be disruptive. In summary, the available evidence is currently insufficient to determine the role of this variant in disease. Therefore, it has been classified as a Variant of Uncertain Significance.